The following is an entry in ClinVar:

NM_022168.4(IFIH1):c.1819T>C (p.Tyr607His)

Gene: IFIH1 (interferon induced with helicase C domain 1; minus strand). Cytogenetic location: 2q24.2.
Variant type: single nucleotide variant.
Coding change: c.1819T>C on transcript NM_022168.4 (MANE Select); coding-DNA position 1819, T replaced by C.
Protein change: p.Tyr607His; replaces tyrosine 607 with histidine.
Molecular consequence: missense variant.
Genome position (GRCh38, 1-based): chr2:162,277,640, A>G on the plus strand (T>C on the coding strand, the complement: IFIH1 is on the minus strand). VCF-style: chr2-162277640-A-G. GRCh37 (hg19) VCF-style: chr2-163134150-A-G.
Other names: short protein forms Y607H.
Identifiers: ClinVar variation 1721159 (VCV001721159.5), dbSNP rs2468959505, ClinGen allele CA348999706.

ClinVar aggregate classification (germline): Uncertain significance (1 of 4 stars; one submission).

Conditions:
Aicardi-Goutieres syndrome 7 (AGS7). Identifiers: Orphanet 51, MedGen C3888244, MONDO:0014367, OMIM 615846.
Singleton-Merten syndrome 1 (SGMRT1). Also called: Widened medullary cavities of bone, aortic calcification, abnormal dentition, and muscular weakness; Syndrome of widened medullary cavities of the metacarpals and phalanges, aortic calcification and abnormal dentition. Identifiers: Orphanet 85191, MedGen C4225427, MONDO:0024535, OMIM 182250.

Submission:

Labcorp Genetics (formerly Invitae), Labcorp
Classification: Uncertain significance for Aicardi-Goutieres syndrome 7; Singleton-Merten syndrome 1. Last evaluated: 2022-10-07. Review status: criteria provided, single submitter. Criteria: Invitae Variant Classification Sherloc (09022015). Collection method: clinical testing. Allele origin: germline.
Comment: This sequence change replaces tyrosine, which is neutral and polar, with histidine, which is basic and polar, at codon 607 of the IFIH1 protein (p.Tyr607His). This variant is not present in population databases (gnomAD no frequency). This variant has not been reported in the literature in individuals affected with IFIH1-related conditions. Advanced modeling of protein sequence and biophysical properties (such as structural, functional, and spatial information, amino acid conservation, physicochemical variation, residue mobility, and thermodynamic stability) has been performed at Invitae for this missense variant, however the output from this modeling did not meet the statistical confidence thresholds required to predict the impact of this variant on IFIH1 protein function. In summary, the available evidence is currently insufficient to determine the role of this variant in disease. Therefore, it has been classified as a Variant of Uncertain Significance.